The following is an entry in ClinVar:

ClinVar aggregate classification (germline): Pathogenic (1 of 4 stars; one submission).

Conditions:
Hereditary cancer-predisposing syndrome. Also called: Neoplastic Syndromes, Hereditary; Tumor predisposition; Hereditary Cancer Syndrome; Hereditary neoplastic syndrome. Identifiers: Orphanet 140162, MedGen C0027672, MeSH D009386, MONDO:0015356.

Submission:

Ambry Genetics
Classification: Pathogenic for Hereditary cancer-predisposing syndrome. Last evaluated: 2022-02-15. Review status: criteria provided, single submitter. Criteria: Ambry Variant Classification Scheme 2023. Collection method: clinical testing. Allele origin: germline.
Comment: The c.638delC pathogenic mutation, located in coding exon 8 of the MUTYH gene, results from a deletion of one nucleotide at nucleotide position 638, causing a translational frameshift with a predicted alternate stop codon (p.P213Lfs*27). This variant is considered to be rare based on population cohorts in the Genome Aggregation Database (gnomAD). This alteration is expected to result in loss of function by premature protein truncation or nonsense-mediated mRNA decay. As such, this alteration is interpreted as a disease-causing mutation.

NM_001048174.2(MUTYH):c.554del (p.Pro185fs)

Gene: MUTYH (mutY DNA glycosylase; minus strand). Cytogenetic location: 1p34.1.
Variant type: Deletion.
Coding change: c.554del on transcript NM_001048174.2 (MANE Select); coding-DNA position 554, one base deleted (C; older notation c.554delC).
Protein change: p.Pro185fs; shifts the reading frame from proline 185.
Molecular consequence: frameshift variant. On other transcripts: non-coding transcript variant (2).
Genome position (GRCh38, 1-based): chr1:45,332,626, G deleted on the plus strand (C on the coding strand, the reverse complement: MUTYH is on the minus strand); the first of 2 consecutive G bases (chr1:45,332,626-45,332,627); deleting either gives the same sequence. VCF-style (leftmost placement, unchanged base first): chr1-45332625-AG-A. GRCh37 (hg19) VCF-style: chr1-45798297-AG-A.
Other names: c.554del, p.Pro185fs (NM_001048171.2, NM_001048173.2, NM_001293195.2); c.557del, p.Pro186fs (NM_001048172.2); c.638del, p.Pro213fs (NM_001128425.2); c.599del, p.Pro200fs (NM_001293190.2); c.587del, p.Pro196fs (NM_001293191.2); c.278del, p.Pro93fs (NM_001293192.2, NM_001293196.2); c.209del, p.Pro70fs (NM_001350650.2, NM_001350651.2); c.586delC, p.Pro196Leufs (NM_001407069.1, NM_001407077.1); and 11 more; short protein forms P186fs, P200fs, P196fs, P210fs, P213fs, P185fs, P70fs, P93fs.
Identifiers: ClinVar variation 1753221 (VCV001753221.2), dbSNP rs2524146899, ClinGen allele CA2580063115.